The following is an entry in ClinVar:

ClinVar aggregate classification (germline): Uncertain significance (1 of 4 stars; one submission).

gnomAD v4.1: 1 of 1,614,218 alleles (0.000062%); no homozygotes.

Submission:

GeneDx
Classification: Uncertain significance. Last evaluated: 2015-05-28. Review status: criteria provided, single submitter. Criteria: GeneDx Variant Classification (06012015). Collection method: clinical testing. Allele origin: germline. Affected: yes.
Comment: p.Lys43Arg (AAG>AGG): c.128 A>G in exon 3 of the ATP1A2 gene (NM_000702.3). The K43R variant has not been published as a mutation, nor has it been reported as a benign polymorphism to our knowledge. It was not observed in approximately 6,500 individuals of European and African American ancestry in the NHLBI Exome Sequencing Project, indicating it is not a common benign variant in these populations. The K43R variant is a conservative amino acid substitution, which is not likely to impact secondary protein structure as these residues share similar properties. However, this substitution occurs at a position that is highly conserved in mammals, and in silico analysis is inconsistent in its predictions as to whether or not the variant is damaging to the protein structure/function. Therefore, based on the currently available information, it is unclear whether this variant is a pathogenic mutation or a rare benign variant. The variant is found in EPILEPSY panel(s).

NM_000702.4(ATP1A2):c.128A>G (p.Lys43Arg)

Gene: ATP1A2 (ATPase Na+/K+ transporting subunit alpha 2; plus strand). Cytogenetic location: 1q23.2.
Variant type: single nucleotide variant.
Coding change: c.128A>G on transcript NM_000702.4 (MANE Select); coding-DNA position 128, A replaced by G.
Protein change: p.Lys43Arg; replaces lysine 43 with arginine.
Molecular consequence: missense variant.
Genome position (GRCh38, 1-based): chr1:160,121,202, A>G. VCF-style: chr1-160121202-A-G. GRCh37 (hg19) VCF-style: chr1-160090992-A-G.
Other names: p.K43R:AAG>AGG; short protein forms K43R.
Identifiers: ClinVar variation 204909 (VCV000204909.2), dbSNP rs796052281, ClinGen allele CA313346.